The following is an entry in ClinVar:

ClinVar aggregate classification (germline): Uncertain significance (1 of 4 stars; one submission).

Conditions:
Alpha-methylacyl-CoA racemase deficiency (AMACRD). Also called: AMACR deficiency. Identifiers: Orphanet 79095, MedGen C3280428, MONDO:0013681, OMIM 614307. Disease mechanism: loss of function.

Submission:

Labcorp Genetics (formerly Invitae), Labcorp
Classification: Uncertain significance for Alpha-methylacyl-CoA racemase deficiency. Last evaluated: 2024-10-16. Review status: criteria provided, single submitter. Criteria: Invitae Variant Classification Sherloc (09022015). Collection method: clinical testing. Allele origin: germline.
Comment: This sequence change replaces aspartic acid, which is acidic and polar, with tyrosine, which is neutral and polar, at codon 343 of the AMACR protein (p.Asp343Tyr). This variant is not present in population databases (gnomAD no frequency). This variant has not been reported in the literature in individuals affected with AMACR-related conditions. ClinVar contains an entry for this variant (Variation ID: 1937380). Invitae Evidence Modeling of protein sequence and biophysical properties (such as structural, functional, and spatial information, amino acid conservation, physicochemical variation, residue mobility, and thermodynamic stability) indicates that this missense variant is not expected to disrupt AMACR protein function with a negative predictive value of 80%. In summary, the available evidence is currently insufficient to determine the role of this variant in disease. Therefore, it has been classified as a Variant of Uncertain Significance.

NM_014324.6(AMACR):c.1027G>T (p.Asp343Tyr)

Genes: AMACR (alpha-methylacyl-CoA racemase; minus strand), C1QTNF3-AMACR (C1QTNF3-AMACR readthrough (NMD candidate); minus strand). Cytogenetic location: 5p13.2.
Variant type: single nucleotide variant.
Coding change: c.1027G>T on transcript NM_014324.6 (MANE Select); coding-DNA position 1027, G replaced by T.
Protein change: p.Asp343Tyr; replaces aspartic acid 343 with tyrosine.
Molecular consequence: missense variant. On other transcripts: non-coding transcript variant (1), 3 prime UTR variant (1).
Genome position (GRCh38, 1-based): chr5:33,989,215, C>A on the plus strand (G>T on the coding strand, the complement: AMACR is on the minus strand). VCF-style: chr5-33989215-C-A. GRCh37 (hg19) VCF-style: chr5-33989320-C-A.
Other names: c.1027G>T, p.Asp343Tyr (NM_001167595.2); c.*269G>T (NM_203382.3); short protein forms D343Y.
Identifiers: ClinVar variation 1937380 (VCV001937380.5), dbSNP rs2478951501, ClinGen allele CA359398798.